The following is an entry in ClinVar:

ClinVar aggregate classification (germline): Conflicting classifications of pathogenicity. Review status: criteria provided, conflicting classifications (1 of 4 stars). 6 submissions from 6 submitters: Uncertain significance (1); Benign (1); Likely benign (4). Last evaluated 2026-01-01.

Conditions:
Cardiovascular phenotype. Identifiers: MedGen CN230736.
Brugada syndrome. Also called: Sudden unexplained nocturnal death syndrome; Sudden unexpected nocturnal death syndrome; Sudden Unexplained Death Syndrome; Sudden Unexplained Nocturnal Death Syndrome (SUNDS). Identifiers: Orphanet 130, MedGen C1142166, MONDO:0015263.

Allele frequency attached by ClinVar (database versions not stated): 1000 Genomes Project 30x 0.00016; TOPMed 0.00044; ESP Exome Variant Server 0.00108.
gnomAD v4.1: 1,133 of 1,612,442 alleles (0.07%); highest among the groups gnomAD compares: Non-Finnish European, 0.092%; 3 homozygotes.

Submissions (6):

Labcorp Genetics (formerly Invitae), Labcorp
Classification: Likely benign for Brugada syndrome. Last evaluated: 2026-01-01. Review status: criteria provided, single submitter. Criteria: Invitae Variant Classification Sherloc (09022015). Collection method: clinical testing. Allele origin: germline.

Women's Health and Genetics/Laboratory Corporation of America, LabCorp
Classification: Benign. Last evaluated: 2025-10-21. Review status: criteria provided, single submitter. Criteria: LabCorp Variant Classification Summary - May 2015. Collection method: clinical testing. Allele origin: germline.

Mayo Clinic Laboratories, Mayo Clinic
Classification: Likely benign. Last evaluated: 2025-06-24. Review status: criteria provided, single submitter. Criteria: ACMG Guidelines, 2015. Collection method: clinical testing. Allele origin: germline. Observed: 1 variant allele.
Comment: BP4, BP7

GeneDx
Classification: Likely benign. Last evaluated: 2021-02-26. Review status: criteria provided, single submitter. Criteria: GeneDx Variant Classification Process June 2021. Collection method: clinical testing. Allele origin: germline. Affected: yes.

Eurofins Ntd Llc (ga)
Classification: Uncertain significance. Last evaluated: 2016-06-16. Review status: criteria provided, single submitter. Criteria: EGL Classification Definitions 2015. Collection method: clinical testing. Allele origin: germline. Observed: 1 variant allele, 1 heterozygote.

Ambry Genetics
Classification: Likely benign for Cardiovascular phenotype. Last evaluated: 2015-07-17. Review status: criteria provided, single submitter. Criteria: Ambry Variant Classification Scheme 2023. Collection method: clinical testing. Allele origin: germline.

NM_004982.4(KCNJ8):c.471G>C (p.Thr157=)

Genes: KCNJ8 (potassium inwardly rectifying channel subfamily J member 8; minus strand), KCNJ8-AS1 (KCNJ8 antisense RNA 1; plus strand). Cytogenetic location: 12p12.1.
Variant type: single nucleotide variant.
Coding change: c.471G>C on transcript NM_004982.4 (MANE Select); coding-DNA position 471, G replaced by C.
Protein change: p.Thr157=; no amino-acid change (threonine 157 retained).
Molecular consequence: synonymous variant.
Genome position (GRCh38, 1-based): chr12:21,766,527, C>G on the plus strand (G>C on the coding strand, the complement: KCNJ8 is on the minus strand). VCF-style: chr12-21766527-C-G. GRCh37 (hg19) VCF-style: chr12-21919461-C-G.
Other names: p.Thr157=.
Identifiers: ClinVar variation 264182 (VCV000264182.23), dbSNP rs143319002, ClinGen allele CA6480679.